The following is an entry in ClinVar:

ClinVar aggregate classification (germline): Conflicting classifications of pathogenicity. Review status: criteria provided, conflicting classifications (1 of 4 stars). 3 submissions from 3 submitters: Uncertain significance (2); Likely benign (1). Last evaluated 2025-10-24.

Conditions:
Hereditary cancer-predisposing syndrome. Also called: Neoplastic Syndromes, Hereditary; Tumor predisposition; Hereditary neoplastic syndrome; Hereditary Cancer Syndrome. Identifiers: Orphanet 140162, MedGen C0027672, MeSH D009386, MONDO:0015356.
Hereditary nonpolyposis colorectal neoplasms. Identifiers: MedGen C0009405, MeSH D003123.

Allele frequency attached by ClinVar (database versions not stated): ExAC 0.00001; gnomAD exomes 0.00001; gnomAD 0.00002; TOPMed 0.00003.
gnomAD v4.1: 5 of 1,613,998 alleles (0.00031%); highest among the groups gnomAD compares: African/African-American, 0.0053%; no homozygotes.

Submissions (3):

Labcorp Genetics (formerly Invitae), Labcorp
Classification: Uncertain significance for Hereditary nonpolyposis colorectal neoplasms. Last evaluated: 2025-10-24. Review status: criteria provided, single submitter. Criteria: Invitae Variant Classification Sherloc (09022015). Collection method: clinical testing. Allele origin: germline.
Comment: This sequence change replaces isoleucine, which is neutral and non-polar, with valine, which is neutral and non-polar, at codon 198 of the PMS2 protein (p.Ile198Val). This variant is present in population databases (rs774629715, gnomAD 0.007%). This variant has not been reported in the literature in individuals affected with PMS2-related conditions. ClinVar contains an entry for this variant (Variation ID: 663439). Invitae Evidence Modeling incorporating data from in vitro experimental studies (internal data) indicates that this missense variant is not expected to disrupt PMS2 function with a negative predictive value of 95%. In summary, the available evidence is currently insufficient to determine the role of this variant in disease. Therefore, it has been classified as a Variant of Uncertain Significance.

GeneDx
Classification: Uncertain significance. Last evaluated: 2023-12-13. Review status: criteria provided, single submitter. Criteria: GeneDx Variant Classification Process June 2021. Collection method: clinical testing. Allele origin: germline. Affected: yes.
Comment: In silico analysis supports that this missense variant does not alter protein structure/function; Has not been previously published as pathogenic or benign to our knowledge; This variant is associated with the following publications: (PMID: 11574484)

Ambry Genetics
Classification: Likely benign for Hereditary cancer-predisposing syndrome. Last evaluated: 2018-10-29. Review status: criteria provided, single submitter. Criteria: Ambry Variant Classification Scheme 2023. Collection method: clinical testing. Allele origin: germline.

NM_000535.7(PMS2):c.592A>G (p.Ile198Val)

Gene: PMS2 (PMS1 homolog 2, mismatch repair system component; minus strand). Cytogenetic location: 7p22.1.
Variant type: single nucleotide variant.
Coding change: c.592A>G on transcript NM_000535.7 (MANE Select); coding-DNA position 592, A replaced by G.
Protein change: p.Ile198Val; replaces isoleucine 198 with valine.
Molecular consequence: missense variant. On other transcripts: 5 prime UTR variant (2), non-coding transcript variant (1), intron variant (1).
Genome position (GRCh38, 1-based): chr7:5,999,221, T>C on the plus strand (A>G on the coding strand, the complement: PMS2 is on the minus strand). VCF-style: chr7-5999221-T-C. GRCh37 (hg19) VCF-style: chr7-6038852-T-C.
Other names: c.187A>G, p.Ile63Val (NM_001322003.2, NM_001322004.2, NM_001322005.2 and 2 more transcripts); c.592A>G, p.Ile198Val (NM_001322006.2, NM_001322014.2); c.274A>G, p.Ile92Val (NM_001322007.2, NM_001322008.2); c.-342A>G (NM_001322011.2, NM_001322012.2); c.283A>G, p.Ile95Val (NM_001322015.2); c.133-1798A>G (NM_001322013.2); short protein forms I63V, I92V, I198V, I95V.
Identifiers: ClinVar variation 663439 (VCV000663439.16), dbSNP rs774629715, ClinGen allele CA050513.
Genomic context (GRCh38, chr7:5,999,221, plus strand): 5'-CTGTGCATACCACAGGCTGTCGTTTTCCTTGTCCAAGCTGATTGGTGCAACTTACACGGA[T>C]GCCTGCTGAAATGATACAGTATGCATGTAAGACCTGGACCATTTTGGCATACTCCTGTTT-3'
Protein context (NP_000526.2, residues 188-208): LHAYCIISAG[Ile198Val]RVSCTNQLGQ